The following is an entry in ClinVar:

ClinVar aggregate classification (germline): Uncertain significance (1 of 4 stars; one submission).

Submission:

GeneDx
Classification: Uncertain significance. Last evaluated: 2017-10-31. Review status: criteria provided, single submitter. Criteria: GeneDx Variant Classification (06012015). Collection method: clinical testing. Allele origin: germline. Affected: yes.
Comment: The L120P variant has not been published as a pathogenic variant, nor has it been reported as a benign variant to our knowledge. The variant is not observed in large population cohorts (Lek et al., 2016). L120P is a semi-conservative amino acid substitution, which may impact secondary protein structure as these residues differ in some properties. This substitution occurs at a position that is conserved in mammals. In silico analysis is inconsistent in its predictions as to whether or not the variant is damaging to the protein structure/function. In summary, based on the currently available information, it is unclear whether this variant is a pathogenic variant or a rare benign variant.

NM_000061.3(BTK):c.359T>C (p.Leu120Pro)

Gene: BTK (Bruton tyrosine kinase; minus strand). Cytogenetic location: Xq22.1.
Variant type: single nucleotide variant.
Coding change: c.359T>C on transcript NM_000061.3 (MANE Select); coding-DNA position 359, T replaced by C.
Protein change: p.Leu120Pro; replaces leucine 120 with proline.
Molecular consequence: missense variant.
Genome position (GRCh38, 1-based): chrX:101,370,030, A>G on the plus strand (T>C on the coding strand, the complement: BTK is on the minus strand). VCF-style: chrX-101370030-A-G. GRCh37 (hg19) VCF-style: chrX-100625018-A-G.
Other names: c.461T>C, p.Leu154Pro (NM_001287344.2); c.359T>C, p.Leu120Pro (NM_001287345.2); short protein forms L120P, L154P.
Identifiers: ClinVar variation 453190 (VCV000453190.2), dbSNP rs1555980053, ClinGen allele CA413937061.